The following is an entry in ClinVar:

ClinVar aggregate classification (germline): Uncertain significance (1 of 4 stars; one submission).

Conditions:
Inborn genetic diseases. Identifiers: MedGen C0950123, MeSH D030342.

gnomAD v4.1: 1 of 1,613,848 alleles (0.000062%); highest among the groups gnomAD compares: Admixed American, 0.0017%; no homozygotes.

Submission:

Ambry Genetics
Classification: Uncertain significance for Inborn genetic diseases. Last evaluated: 2025-02-05. Review status: criteria provided, single submitter. Criteria: Ambry Variant Classification Scheme 2023. Collection method: clinical testing. Allele origin: germline.
Comment: The p.S1182N variant (also known as c.3545G>A), located in coding exon 24 of the ANKRD26 gene, results from a G to A substitution at nucleotide position 3545. The serine at codon 1182 is replaced by asparagine, an amino acid with highly similar properties. This amino acid position is conserved. In addition, this alteration is predicted to be tolerated by in silico analysis. Based on the available evidence, the clinical significance of this variant remains unclear.

NM_014915.3(ANKRD26):c.3545G>A (p.Ser1182Asn)

Gene: ANKRD26 (ankyrin repeat domain containing 26; minus strand). Cytogenetic location: 10p12.1.
Variant type: single nucleotide variant.
Coding change: c.3545G>A on transcript NM_014915.3 (MANE Select); coding-DNA position 3545, G replaced by A.
Protein change: p.Ser1182Asn; replaces serine 1182 with asparagine.
Molecular consequence: missense variant.
Genome position (GRCh38, 1-based): chr10:27,034,905, C>T on the plus strand (G>A on the coding strand, the complement: ANKRD26 is on the minus strand). VCF-style: chr10-27034905-C-T. GRCh37 (hg19) VCF-style: chr10-27323834-C-T.
Other names: c.3542G>A, p.Ser1181Asn (NM_001256053.2); short protein forms S1181N, S1182N.
Identifiers: ClinVar variation 3871002 (VCV003871002.1).